The following is an entry in ClinVar:

ClinVar aggregate classification (germline): Likely pathogenic (1 of 4 stars; one submission).

Conditions:
3-Methylglutaconic aciduria type 2 (BTHS). Also called: CARDIOSKELETAL MYOPATHY WITH NEUTROPENIA AND ABNORMAL MITOCHONDRIA; Barth syndrome. Identifiers: Orphanet 111, MedGen C0574083, MONDO:0010543, OMIM 302060.

Submission:

Labcorp Genetics (formerly Invitae), Labcorp
Classification: Likely pathogenic for 3-Methylglutaconic aciduria type 2. Last evaluated: 2025-03-24. Review status: criteria provided, single submitter. Criteria: Invitae Variant Classification Sherloc (09022015). Collection method: clinical testing. Allele origin: germline.
Comment: This sequence change affects a donor splice site in intron 2 of the TAZ gene. It is expected to disrupt RNA splicing. Variants that disrupt the donor or acceptor splice site typically lead to a loss of protein function (PMID: 16199547), and loss-of-function variants in TAZ are known to be pathogenic (PMID: 16427346, 22382802, 23409742). This variant is not present in population databases (gnomAD no frequency). This variant has not been reported in the literature in individuals affected with TAZ-related conditions. Algorithms developed to predict the effect of sequence changes on RNA splicing suggest that this variant may disrupt the consensus splice site. In summary, the currently available evidence indicates that the variant is pathogenic, but additional data are needed to prove that conclusively. Therefore, this variant has been classified as Likely Pathogenic.

Literature cited by the submitters: PubMed 16199547; PubMed 16427346; PubMed 22382802; PubMed 23409742.

NM_000116.5(TAFAZZIN):c.238+1G>A

Gene: TAFAZZIN (tafazzin, phospholipid-lysophospholipid transacylase; plus strand). Cytogenetic location: Xq28.
Variant type: single nucleotide variant.
Coding change: c.238+1G>A on transcript NM_000116.5 (MANE Select); the canonical splice donor site of the intron after coding-DNA position 238, G replaced by A.
Molecular consequence: splice donor variant.
Genome position (GRCh38, 1-based): chrX:154,412,215, G>A. VCF-style: chrX-154412215-G-A. GRCh37 (hg19) VCF-style: chrX-153640552-G-A.
Other names: c.292+1G>A (NM_001440856.1, NM_001303465.2, NM_001410698.1 and 1 more transcripts); c.238+1G>A (NM_181312.4, NM_181311.4, NM_181313.4 and 1 more transcripts).
Identifiers: ClinVar variation 4713939 (VCV004713939.1).